The following is an entry in ClinVar:

ClinVar aggregate classification (germline): Likely pathogenic (1 of 4 stars; one submission).

Conditions:
Autosomal dominant nonsyndromic hearing loss 1. Also called: KONIGSMARK SYNDROME; DEAFNESS, AUTOSOMAL DOMINANT 1, WITH OR WITHOUT THROMBOCYTOPENIA. Identifiers: Orphanet 90635, MedGen C1852282, MONDO:0007424, OMIM 124900.
Progressive microcephaly-seizures-cortical blindness-developmental delay syndrome. Also called: Seizures, cortical blindness, and microcephaly syndrome. Identifiers: Orphanet 477814, MedGen C5567650, MONDO:0014714, OMIM 616632.

Submission:

Labcorp Genetics (formerly Invitae), Labcorp
Classification: Likely pathogenic for Progressive microcephaly-seizures-cortical blindness-developmental delay syndrome; Autosomal dominant nonsyndromic hearing loss 1. Last evaluated: 2026-01-28. Review status: criteria provided, single submitter. Criteria: Invitae Variant Classification Sherloc (09022015). Collection method: clinical testing. Allele origin: germline.
Comment: This sequence change affects a donor splice site in intron 13 of the DIAPH1 gene. It is expected to disrupt RNA splicing. Variants that disrupt the donor or acceptor splice site typically lead to a loss of protein function (PMID: 16199547), and loss-of-function variants in DIAPH1 are known to be pathogenic (PMID: 24781755, 26463574). This variant is present in population databases (no rsID available, gnomAD 0.003%). This variant has not been reported in the literature in individuals affected with DIAPH1-related conditions. Algorithms developed to predict the effect of sequence changes on RNA splicing suggest that this variant may disrupt the consensus splice site. In summary, the currently available evidence indicates that the variant is pathogenic, but additional data are needed to prove that conclusively. Therefore, this variant has been classified as Likely Pathogenic.

Literature cited by the submitters: PubMed 16199547; PubMed 24781755; PubMed 26463574.

NM_005219.5(DIAPH1):c.1396+1G>A

Gene: DIAPH1 (diaphanous related formin 1; minus strand). Cytogenetic location: 5q31.3.
Variant type: single nucleotide variant.
Coding change: c.1396+1G>A on transcript NM_005219.5 (MANE Select); the canonical splice donor site of the intron after coding-DNA position 1396, G replaced by A.
Molecular consequence: splice donor variant.
Genome position (GRCh38, 1-based): chr5:141,576,755, C>T on the plus strand (G>A on the coding strand, the complement: DIAPH1 is on the minus strand). VCF-style: chr5-141576755-C-T. GRCh37 (hg19) VCF-style: chr5-140956322-C-T.
Other names: c.1369+1G>A (NM_001079812.3); c.1396+1G>A (NM_001314007.2).
Identifiers: ClinVar variation 4787404 (VCV004787404.1).
Genomic context (GRCh38, chr5:141,576,755, plus strand): 5'-AAGATGCAAAATGAAAGGAAGAAGCAATACTTGGAGGAGCCAGATAGAAGAGTATGCTTA[C>T]CAATTAATCCCTCAATCTCAATCTGGAGGTGCCGGCACTTGAAGTCAGGATCAGCCCCGT-3'